The following is an entry in ClinVar:

NM_015629.4(PRPF31):c.698-1G>T

Gene: PRPF31 (pre-mRNA processing factor 31; plus strand). Cytogenetic location: 19q13.42.
Variant type: single nucleotide variant.
Coding change: c.698-1G>T on transcript NM_015629.4 (MANE Select); the canonical splice acceptor site of the intron before coding-DNA position 698, G replaced by T.
Molecular consequence: splice acceptor variant.
Genome position (GRCh38, 1-based): chr19:54,124,498, G>T. VCF-style: chr19-54124498-G-T. GRCh37 (hg19) VCF-style: chr19-54627877-G-T.
Identifiers: ClinVar variation 2051247 (VCV002051247.4), dbSNP rs2073871791, ClinGen allele CA407751022.
Genomic context (GRCh38, chr19:54,124,498, plus strand): 5'-TCACCCCCACCTCTCTGCTTTCTTCTGACCGCCCCCCCTTCCTCCCTCCCTCCCACCGCA[G>T]GTGTGGCCGGCGGCCTGACCAACCTCTCCAAGATGCCCGCCTGCAACATCATGCTGCTCG-3'

ClinVar aggregate classification (germline): Pathogenic (1 of 4 stars; one submission).

Submission:

Labcorp Genetics (formerly Invitae), Labcorp
Classification: Pathogenic. Last evaluated: 2021-12-21. Review status: criteria provided, single submitter. Criteria: Invitae Variant Classification Sherloc (09022015). Collection method: clinical testing. Allele origin: germline.
Comment: For these reasons, this variant has been classified as Pathogenic. Algorithms developed to predict the effect of sequence changes on RNA splicing suggest that this variant may disrupt the consensus splice site. Disruption of this splice site has been observed in individuals with PRPF31-related conditions (PMID: 27898983, 29785639). This variant is not present in population databases (gnomAD no frequency). This sequence change affects an acceptor splice site in intron 7 of the PRPF31 gene. It is expected to disrupt RNA splicing. Variants that disrupt the donor or acceptor splice site typically lead to a loss of protein function (PMID: 16199547), and loss-of-function variants in PRPF31 are known to be pathogenic (PMID: 18317597, 23950152).

Literature cited by the submitters: PubMed 27898983; PubMed 29785639; PubMed 16199547; PubMed 18317597; PubMed 23950152.